The following is an entry in ClinVar:

NM_138694.4(PKHD1):c.11766del (p.Asp3923fs)

Gene: PKHD1 (PKHD1 ciliary IPT domain containing fibrocystin/polyductin; minus strand). Cytogenetic location: 6p12.3.
Variant type: Deletion.
Coding change: c.11766del on transcript NM_138694.4 (MANE Select); coding-DNA position 11766, one base deleted (A; older notation c.11766delA).
Protein change: p.Asp3923fs; shifts the reading frame from aspartic acid 3923.
Molecular consequence: frameshift variant.
Genome position (GRCh38, 1-based): chr6:51,627,016, T deleted on the plus strand (A on the coding strand, the reverse complement: PKHD1 is on the minus strand); the first of 2 consecutive T bases (chr6:51,627,016-51,627,017); deleting either gives the same sequence. VCF-style (leftmost placement, unchanged base first): chr6-51627015-CT-C. GRCh37 (hg19) VCF-style: chr6-51491813-CT-C.
Other names: c.11766delA (NM_138694.3); short protein forms D3923fs.
Identifiers: ClinVar variation 2964014 (VCV002964014.4), dbSNP rs897090338, ClinGen allele CA138875838.
Genomic context (GRCh38, chr6:51,627,015, plus strand): 5'-TGGGTCTCTCCTGTGGGGATCATCTCCACCCTCCAAGCTTACCTTCTCCCACCACAGTGT[CT>C]TCTTTTTTGGGCCCTTGTGATTCTCGGCGTTTGGATGAGATGTGGATATGAATATTTTGA-3'

ClinVar aggregate classification (germline): Pathogenic/Likely pathogenic. Review status: criteria provided, multiple submitters, no conflicts (2 of 4 stars). 2 submissions from 2 submitters: Pathogenic (1); Likely pathogenic (1). Last evaluated 2025-03-31.

Conditions:
Autosomal recessive polycystic kidney disease (ARPKD). Also called: AR polycystic kidney disease. Identifiers: Orphanet 731, Orphanet 8378, MedGen C0085548, MeSH D017044, MONDO:0009889.

Submissions (2):

Natera, Inc.
Classification: Likely pathogenic for Autosomal recessive polycystic kidney disease. Last evaluated: 2025-03-31. Review status: criteria provided, single submitter. Criteria: Natera Variant Classification Schema (03/2026). Collection method: clinical testing. Allele origin: germline.
Comment: The c.11766delA variant in PKHD1 is a frameshift variant predicted to shift the reading frame beginning at codon 3923 and leads to a stop codon 8 codons downstream. This variant is expected to result in nonsense mediated decay, truncation, or a dysfunctional protein product. This variant is rare in the general population with a frequency below the threshold expected for the associated phenotype(s). Given the available evidence, this variant is classified as Likely Pathogenic.

Labcorp Genetics (formerly Invitae), Labcorp
Classification: Pathogenic for Autosomal recessive polycystic kidney disease. Last evaluated: 2023-05-13. Review status: criteria provided, single submitter. Criteria: Invitae Variant Classification Sherloc (09022015). Collection method: clinical testing. Allele origin: germline.
Comment: For these reasons, this variant has been classified as Pathogenic. This variant disrupts a region of the PKHD1 protein in which other variant(s) (p.Arg3961*) have been determined to be pathogenic (Invitae). This suggests that this is a clinically significant region of the protein, and that variants that disrupt it are likely to be disease-causing. Algorithms developed to predict the effect of sequence changes on RNA splicing suggest that this variant may disrupt the consensus splice site. This variant has not been reported in the literature in individuals affected with PKHD1-related conditions. This variant is present in population databases (no rsID available, gnomAD 0.002%). This sequence change creates a premature translational stop signal (p.Asp3923Thrfs*8) in the PKHD1 gene. While this is not anticipated to result in nonsense mediated decay, it is expected to disrupt the last 152 amino acid(s) of the PKHD1 protein.